The following is an entry in ClinVar:

NM_144991.3(TSPEAR):c.1442_1445del (p.Phe481fs)

Gene: TSPEAR (thrombospondin type laminin G domain and EAR repeats; minus strand). Cytogenetic location: 21q22.3.
Variant type: Deletion.
Coding change: c.1442_1445del on transcript NM_144991.3 (MANE Select); coding-DNA positions 1442 to 1445, 4 bases deleted (TCTT; older notation c.1442_1445delTCTT).
Protein change: p.Phe481fs; shifts the reading frame from phenylalanine 481.
Molecular consequence: frameshift variant.
Genome position (GRCh38, 1-based): chr21:44,522,004-44,522,007, AAGA deleted on the plus strand (TCTT on the coding strand, the reverse complement: TSPEAR is on the minus strand); deleting any 4 consecutive bases within chr21:44,522,004-44,522,008 gives the same sequence; the c. name uses the placement nearest the transcript's 3' end. VCF-style (leftmost placement, unchanged base first): chr21-44522003-GAAGA-G. GRCh37 (hg19) VCF-style: chr21-45941886-GAAGA-G.
Other names: c.1238_1241del, p.Phe413fs (NM_001272037.2); short protein forms F413fs, F481fs.
Identifiers: ClinVar variation 2111094 (VCV002111094.4), dbSNP rs1420667073, ClinGen allele CA749719621.

ClinVar aggregate classification (germline): Pathogenic (1 of 4 stars; one submission).

Submission:

Labcorp Genetics (formerly Invitae), Labcorp
Classification: Pathogenic. Last evaluated: 2022-09-19. Review status: criteria provided, single submitter. Criteria: Invitae Variant Classification Sherloc (09022015). Collection method: clinical testing. Allele origin: germline.
Comment: For these reasons, this variant has been classified as Pathogenic. This premature translational stop signal has been observed in individual(s) with clinical features of ectodermal dysplasia (Invitae). This variant is not present in population databases (gnomAD no frequency). This sequence change creates a premature translational stop signal (p.Phe481Serfs*87) in the TSPEAR gene. It is expected to result in an absent or disrupted protein product. Loss-of-function variants in TSPEAR are known to be pathogenic (PMID: 34042254).

Literature cited by the submitters: PubMed 34042254.